The following is an entry in ClinVar:

ClinVar aggregate classification (germline): Uncertain significance (1 of 4 stars; one submission).

Submission:

GeneDx
Classification: Uncertain significance. Last evaluated: 2025-01-19. Review status: criteria provided, single submitter. Criteria: GeneDx Variant Classification Process June 2021. Collection method: clinical testing. Allele origin: germline. Affected: yes.
Comment: Not observed at significant frequency in large population cohorts (gnomAD); In silico analysis indicates that this missense variant does not alter protein structure/function; Has not been previously published as pathogenic or benign to our knowledge

NM_001288705.3(CSF1R):c.2280C>A (p.Ser760Arg)

Gene: CSF1R (colony stimulating factor 1 receptor; minus strand). Cytogenetic location: 5q32.
Variant type: single nucleotide variant.
Coding change: c.2280C>A on transcript NM_001288705.3 (MANE Select); coding-DNA position 2280, C replaced by A.
Protein change: p.Ser760Arg; replaces serine 760 with arginine.
Molecular consequence: missense variant. On other transcripts: non-coding transcript variant (2).
Genome position (GRCh38, 1-based): chr5:150,057,326, G>T on the plus strand (C>A on the coding strand, the complement: CSF1R is on the minus strand). VCF-style: chr5-150057326-G-T. GRCh37 (hg19) VCF-style: chr5-149436889-G-T.
Other names: c.2280C>A, p.Ser760Arg (NM_001349736.2, NM_001375320.1, NM_005211.4); c.1836C>A, p.Ser612Arg (NM_001375321.1); short protein forms S612R, S760R.
Identifiers: ClinVar variation 4070838 (VCV004070838.1).